The following is an entry in ClinVar:

ClinVar aggregate classification (germline): Uncertain significance (1 of 4 stars; one submission).

Allele frequency attached by ClinVar (database versions not stated): gnomAD exomes below 0.00001; TOPMed below 0.00001.
gnomAD v4.1: 2 of 1,614,176 alleles (0.00012%); highest among the groups gnomAD compares: African/African-American, 0.0027%; no homozygotes.

Submission:

Labcorp Genetics (formerly Invitae), Labcorp
Classification: Uncertain significance. Last evaluated: 2024-05-31. Review status: criteria provided, single submitter. Criteria: Invitae Variant Classification Sherloc (09022015). Collection method: clinical testing. Allele origin: germline.
Comment: This sequence change replaces leucine, which is neutral and non-polar, with glutamine, which is neutral and polar, at codon 822 of the GRIN2D protein (p.Leu822Gln). This variant is present in population databases (no rsID available, gnomAD 0.007%). This variant has not been reported in the literature in individuals affected with GRIN2D-related conditions. ClinVar contains an entry for this variant (Variation ID: 1717015). Advanced modeling of protein sequence and biophysical properties (such as structural, functional, and spatial information, amino acid conservation, physicochemical variation, residue mobility, and thermodynamic stability) performed at Invitae indicates that this missense variant is not expected to disrupt GRIN2D protein function with a negative predictive value of 80%. In summary, the available evidence is currently insufficient to determine the role of this variant in disease. Therefore, it has been classified as a Variant of Uncertain Significance.

NM_000836.4(GRIN2D):c.2465T>A (p.Leu822Gln)

Gene: GRIN2D (glutamate ionotropic receptor NMDA type subunit 2D; plus strand). Cytogenetic location: 19q13.33.
Variant type: single nucleotide variant.
Coding change: c.2465T>A on transcript NM_000836.4 (MANE Select); coding-DNA position 2465, T replaced by A.
Protein change: p.Leu822Gln; replaces leucine 822 with glutamine.
Molecular consequence: missense variant.
Genome position (GRCh38, 1-based): chr19:48,442,174, T>A. VCF-style: chr19-48442174-T-A. GRCh37 (hg19) VCF-style: chr19-48945431-T-A.
Other names: short protein forms L822Q.
Identifiers: ClinVar variation 1717015 (VCV001717015.5), dbSNP rs1389673502, ClinGen allele CA406670067.